The following is an entry in ClinVar:

ClinVar aggregate classification (germline): Uncertain significance (1 of 4 stars; one submission).

Allele frequency attached by ClinVar (database versions not stated): TOPMed 0.00001.
gnomAD v4.1: 11 of 1,612,814 alleles (0.00068%); highest among the groups gnomAD compares: East Asian, 0.0022%; no homozygotes.

Submission:

Labcorp Genetics (formerly Invitae), Labcorp
Classification: Uncertain significance. Last evaluated: 2023-10-27. Review status: criteria provided, single submitter. Criteria: Invitae Variant Classification Sherloc (09022015). Collection method: clinical testing. Allele origin: germline.
Comment: This sequence change replaces serine, which is neutral and polar, with leucine, which is neutral and non-polar, at codon 1237 of the RIMS1 protein (p.Ser1237Leu). This variant is present in population databases (no rsID available, gnomAD 0.0009%). This variant has not been reported in the literature in individuals affected with RIMS1-related conditions. ClinVar contains an entry for this variant (Variation ID: 964064). An algorithm developed to predict the effect of missense changes on protein structure and function (PolyPhen-2) suggests that this variant is likely to be disruptive. Algorithms developed to predict the effect of sequence changes on RNA splicing suggest that this variant may disrupt the consensus splice site. In summary, the available evidence is currently insufficient to determine the role of this variant in disease. Therefore, it has been classified as a Variant of Uncertain Significance.

NM_014989.7(RIMS1):c.3710C>T (p.Ser1237Leu)

Gene: RIMS1 (regulating synaptic membrane exocytosis 1; plus strand). Cytogenetic location: 6q13.
Variant type: single nucleotide variant.
Coding change: c.3710C>T on transcript NM_014989.7 (MANE Select); coding-DNA position 3710, C replaced by T.
Protein change: p.Ser1237Leu; replaces serine 1237 with leucine.
Molecular consequence: missense variant. On other transcripts: intron variant (56).
Genome position (GRCh38, 1-based): chr6:72,290,834, C>T. VCF-style: chr6-72290834-C-T. GRCh37 (hg19) VCF-style: chr6-73000537-C-T.
Other names: c.1784C>T, p.Ser595Leu (NM_001350420.2); c.1766C>T, p.Ser589Leu (NM_001350431.2); c.1853C>T, p.Ser618Leu (NM_001350438.2, NM_001350456.2); c.1856C>T, p.Ser619Leu (NM_001350442.2, NM_001350446.2); c.1715C>T, p.Ser572Leu (NM_001350462.2); c.1632-1100C>T (NM_001350428.2); c.1560-1100C>T (NM_001350459.2, NM_001350424.2); c.1641-1100C>T (NM_001350437.2); and 31 more; short protein forms S589L, S595L, S619L, S572L, S618L, S1237L.
Identifiers: ClinVar variation 964064 (VCV000964064.9), dbSNP rs776226425, ClinGen allele CA140897309.